The following is an entry in ClinVar:

ClinVar aggregate classification (germline): Uncertain significance (1 of 4 stars; one submission).

Conditions:
Vitamin B2 deficiency. Identifiers: MedGen C0035528.

Allele frequency attached by ClinVar (database versions not stated): TOPMed below 0.00001; gnomAD exomes 0.00001.
gnomAD v4.1: 12 of 1,614,180 alleles (0.00074%); highest among the groups gnomAD compares: South Asian, 0.0077%; no homozygotes.

Submission:

Labcorp Genetics (formerly Invitae), Labcorp
Classification: Uncertain significance for Vitamin B2 deficiency. Last evaluated: 2022-10-06. Review status: criteria provided, single submitter. Criteria: Invitae Variant Classification Sherloc (09022015). Collection method: clinical testing. Allele origin: germline.
Comment: In summary, the available evidence is currently insufficient to determine the role of this variant in disease. Therefore, it has been classified as a Variant of Uncertain Significance. Algorithms developed to predict the effect of missense changes on protein structure and function (SIFT, PolyPhen-2, Align-GVGD) all suggest that this variant is likely to be tolerated. This variant has not been reported in the literature in individuals affected with SLC52A1-related conditions. This variant is present in population databases (rs755105402, gnomAD 0.003%). This sequence change replaces threonine, which is neutral and polar, with methionine, which is neutral and non-polar, at codon 5 of the SLC52A1 protein (p.Thr5Met).

NM_017986.4(SLC52A1):c.14C>T (p.Thr5Met)

Gene: SLC52A1 (solute carrier family 52 member 1; minus strand). Cytogenetic location: 17p13.2.
Variant type: single nucleotide variant.
Coding change: c.14C>T on transcript NM_017986.4 (MANE Select); coding-DNA position 14, C replaced by T.
Protein change: p.Thr5Met; replaces threonine 5 with methionine.
Molecular consequence: missense variant.
Genome position (GRCh38, 1-based): chr17:5,034,593, G>A on the plus strand (C>T on the coding strand, the complement: SLC52A1 is on the minus strand). VCF-style: chr17-5034593-G-A. GRCh37 (hg19) VCF-style: chr17-4937888-G-A.
Other names: c.14C>T, p.Thr5Met (NM_001104577.2); short protein forms T5M.
Identifiers: ClinVar variation 2193722 (VCV002193722.4), dbSNP rs755105402, ClinGen allele CA8319917.